The following is an entry in ClinVar:

ClinVar aggregate classification (germline): Conflicting classifications of pathogenicity. Review status: criteria provided, conflicting classifications (1 of 4 stars). 2 submissions from 2 submitters: Uncertain significance (1); Likely benign (1). Last evaluated 2025-12-31.

Conditions:
Disseminated atypical mycobacterial infection. Identifiers: MedGen C0694566.

Allele frequency attached by ClinVar (database versions not stated): gnomAD 0.00001; gnomAD exomes 0.00001 and 0.00002; TOPMed 0.00002; ExAC 0.00003.
gnomAD v4.1: 22 of 1,613,834 alleles (0.0014%); highest among the groups gnomAD compares: Middle Eastern, 0.033%; no homozygotes.

Submissions (2):

Labcorp Genetics (formerly Invitae), Labcorp
Classification: Uncertain significance for Disseminated atypical mycobacterial infection. Last evaluated: 2025-12-31. Review status: criteria provided, single submitter. Criteria: Invitae Variant Classification Sherloc (09022015). Collection method: clinical testing. Allele origin: germline.
Comment: This sequence change replaces isoleucine, which is neutral and non-polar, with valine, which is neutral and non-polar, at codon 45 of the IFNGR1 protein (p.Ile45Val). This variant is present in population databases (rs777965499, gnomAD 0.02%). This variant has not been reported in the literature in individuals affected with IFNGR1-related conditions. ClinVar contains an entry for this variant (Variation ID: 1380176). Invitae Evidence Modeling of protein sequence and biophysical properties (such as structural, functional, and spatial information, amino acid conservation, physicochemical variation, residue mobility, and thermodynamic stability) indicates that this missense variant is not expected to disrupt IFNGR1 protein function with a negative predictive value of 80%. In summary, the available evidence is currently insufficient to determine the role of this variant in disease. Therefore, it has been classified as a Variant of Uncertain Significance.

Blueprint Genetics
Classification: Likely benign. Last evaluated: 2024-09-07. Review status: criteria provided, single submitter. Criteria: ACMG Guidelines, 2015. Collection method: clinical testing. Allele origin: germline.

NM_000416.3(IFNGR1):c.133A>G (p.Ile45Val)

Gene: IFNGR1 (interferon gamma receptor 1; minus strand). Cytogenetic location: 6q23.3.
Variant type: single nucleotide variant.
Coding change: c.133A>G on transcript NM_000416.3 (MANE Select); coding-DNA position 133, A replaced by G.
Protein change: p.Ile45Val; replaces isoleucine 45 with valine.
Molecular consequence: missense variant.
Genome position (GRCh38, 1-based): chr6:137,207,030, T>C on the plus strand (A>G on the coding strand, the complement: IFNGR1 is on the minus strand). VCF-style: chr6-137207030-T-C. GRCh37 (hg19) VCF-style: chr6-137528167-T-C.
Other names: c.103A>G, p.Ile35Val (NM_001363526.1); c.10A>G, p.Ile4Val (NM_001363527.1); short protein forms I35V, I45V, I4V.
Identifiers: ClinVar variation 1380176 (VCV001380176.7), dbSNP rs777965499, ClinGen allele CA4019044.